The following is an entry in ClinVar:

ClinVar aggregate classification (germline): Conflicting classifications of pathogenicity. Review status: criteria provided, conflicting classifications (1 of 4 stars). 6 submissions from 6 submitters: Uncertain significance (1); Likely benign (4). 1 of the submissions does not count toward it. Last evaluated 2025-11-24.

Conditions:
CHD7-related disorder. Also called: CHD7-related condition.
Inborn genetic diseases. Identifiers: MedGen C0950123, MeSH D030342.
CHARGE syndrome (CHARGE). Also called: Hittner Hirsch Kreh syndrome; CHARGE ASSOCIATION--COLOBOMA, HEART ANOMALY, CHOANAL ATRESIA, RETARDATION, GENITAL AND EAR ANOMALIES; Coloboma, heart anomaly, choanal atresia, retardation, genital and ear anomalies; CHARGE association; Hall-Hittner syndrome. Identifiers: Orphanet 138, MedGen C0265354, MONDO:0008965.

Submissions (6):

Labcorp Genetics (formerly Invitae), Labcorp
Classification: Likely benign for CHARGE syndrome. Last evaluated: 2025-11-24. Review status: criteria provided, single submitter. Criteria: Invitae Variant Classification Sherloc (09022015). Collection method: clinical testing. Allele origin: germline.

Mayo Clinic Laboratories, Mayo Clinic
Classification: Likely benign. Last evaluated: 2025-02-24. Review status: criteria provided, single submitter. Criteria: ACMG Guidelines, 2015. Collection method: clinical testing. Allele origin: germline. Observed: 1 variant allele.
Comment: BS1

Blueprint Genetics
Classification: Likely benign. Last evaluated: 2023-06-06. Review status: criteria provided, single submitter. Criteria: ACMG Guidelines, 2015. Collection method: clinical testing. Allele origin: germline.

GeneDx
Classification: Likely benign. Last evaluated: 2022-11-17. Review status: criteria provided, single submitter. Criteria: GeneDx Variant Classification Process June 2021. Collection method: clinical testing. Allele origin: germline. Affected: yes.
Comment: See Variant Classification Assertion Criteria.

Ambry Genetics
Classification: Uncertain significance for Inborn genetic diseases. Last evaluated: 2016-11-11. Review status: criteria provided, single submitter. Criteria: Ambry Variant Classification Scheme 2023. Collection method: clinical testing. Allele origin: germline.
Comment: The c.2209_2211delCCT variant (also known as p.P737DEL) is located in coding exon 3 of the CHD7 gene. This variant results from an in-frame CCT deletion at nucleotide positions 2209 to 2211. This results in the in-frame deletion of a proline at codon 737. This variant was not reported in population based cohorts in the following databases: Database of Single Nucleotide Polymorphisms (dbSNP), NHLBI Exome Sequencing Project (ESP), and 1000 Genomes Project. In the ESP, this variant was not observed in 5910 samples (11820 alleles) with coverage at this position. This nucleotide position is well conserved in available vertebrate species. Using the BDGP and ESEfinder splice site prediction tools, this alteration is not predicted to have any significant effect on this splice donor site; however, direct evidence is unavailable. Since supporting evidence is limited at this time, the clinical significance of this variant remains unclear.

PreventionGenetics, part of Exact Sciences
Classification: Likely benign for CHD7-related condition. Last evaluated: 2023-11-29. Review status: no assertion criteria provided. Collection method: clinical testing. Allele origin: germline. Not counted in ClinVar's aggregate classification.
Comment: This variant is classified as likely benign based on ACMG/AMP sequence variant interpretation guidelines (Richards et al. 2015 PMID: 25741868, with internal and published modifications).

NM_017780.4(CHD7):c.2203CCT[2] (p.Pro737del)

Gene: CHD7 (chromodomain helicase DNA binding protein 7; plus strand). Cytogenetic location: 8q12.2.
Variant type: Microsatellite.
Coding change: c.2203CCT[2] on transcript NM_017780.4 (MANE Select); two copies in a row of the 3-base unit CCT starting at c.2203; the reference has three copies in a row; one copy, 3 bases deleted; also written c.2209_2211del.
Protein change: p.Pro737del; deletes proline 737.
Molecular consequence: inframe deletion. On other transcripts: intron variant (1).
Genome position (GRCh38, 1-based): chr8:60,795,098-60,795,100, CCT deleted; deleting any 3 consecutive bases within chr8:60,795,090-60,795,100 gives the same sequence; the position shown is the placement nearest the transcript's 3' end. VCF-style (leftmost placement, unchanged base first): chr8-60795089-TCTC-T. GRCh37 (hg19) VCF-style: chr8-61707648-TCTC-T.
Other names: p.Pro737del; c.1716+14040CTC[2] (NM_001316690.1); c.2209_2211delCCT (NM_017780.2); c.2209_2211del (NM_017780.4); short protein forms P737del.
Identifiers: ClinVar variation 421199 (VCV000421199.21), dbSNP rs748363597, ClinGen allele CA4759636.
Genomic context (GRCh38, chr8:60,795,089, plus strand): 5'-GTCAACAAGGGAAAAACAGAAGGTTCTGAAAATTCAGACTTAGACAAAACACCCCCACCA[TCTC>T]CTCCTCCTGAAGAAGATGAGGACCCAGGTGTTCAGGTAATACAATTATTGTGATTCCCGA-3'